The following is an entry in ClinVar:

NM_004168.4(SDHA):c.457C>A (p.Leu153Ile)

Gene: SDHA (succinate dehydrogenase complex flavoprotein subunit A; plus strand). Cytogenetic location: 5p15.33.
Variant type: single nucleotide variant.
Coding change: c.457C>A on transcript NM_004168.4 (MANE Select); coding-DNA position 457, C replaced by A.
Protein change: p.Leu153Ile; replaces leucine 153 with isoleucine.
Molecular consequence: missense variant.
Genome position (GRCh38, 1-based): chr5:225,883, C>A. VCF-style: chr5-225883-C-A. GRCh37 (hg19) VCF-style: chr5-225998-C-A.
Other names: c.313C>A, p.Leu105Ile (NM_001294332.2); c.457C>A, p.Leu153Ile (NM_001330758.2); short protein forms L105I, L153I.
Identifiers: ClinVar variation 2567086 (VCV002567086.4), dbSNP rs1200591418, ClinGen allele CA359009779.

ClinVar aggregate classification (germline): Uncertain significance. Review status: criteria provided, multiple submitters, no conflicts (2 of 4 stars). 2 submissions from 2 submitters: Uncertain significance (2). Last evaluated 2024-07-19.

Conditions:
Mitochondrial complex II deficiency, nuclear type 1. Also called: SUCCINATE CoQ REDUCTASE DEFICIENCY. Identifiers: Orphanet 3208, MedGen C5700310, MONDO:0100294, OMIM 252011.
Pheochromocytoma/paraganglioma syndrome 5. Also called: Paragangliomas 5; SDHA-Related Hereditary Paraganglioma-Pheochromocytoma Syndrome. Identifiers: Orphanet 29072, MedGen C3279992, MONDO:0013602, OMIM 614165.
Hereditary cancer-predisposing syndrome. Also called: Neoplastic Syndromes, Hereditary; Tumor predisposition; Hereditary Cancer Syndrome; Hereditary neoplastic syndrome. Identifiers: Orphanet 140162, MedGen C0027672, MeSH D009386, MONDO:0015356.

gnomAD v4.1: 4 of 1,612,572 alleles (0.00025%); highest among the groups gnomAD compares: South Asian, 0.0033%; no homozygotes.

Submissions (2):

Labcorp Genetics (formerly Invitae), Labcorp
Classification: Uncertain significance for Pheochromocytoma/paraganglioma syndrome 5; Mitochondrial complex II deficiency, nuclear type 1. Last evaluated: 2024-07-19. Review status: criteria provided, single submitter. Criteria: Invitae Variant Classification Sherloc (09022015). Collection method: clinical testing. Allele origin: germline.
Comment: This sequence change replaces leucine, which is neutral and non-polar, with isoleucine, which is neutral and non-polar, at codon 153 of the SDHA protein (p.Leu153Ile). This variant is present in population databases (no rsID available, gnomAD 0.003%). This variant has not been reported in the literature in individuals affected with SDHA-related conditions. ClinVar contains an entry for this variant (Variation ID: 2567086). An algorithm developed to predict the effect of missense changes on protein structure and function (PolyPhen-2) suggests that this variant is likely to be disruptive. In summary, the available evidence is currently insufficient to determine the role of this variant in disease. Therefore, it has been classified as a Variant of Uncertain Significance.

Ambry Genetics
Classification: Uncertain significance for Hereditary cancer-predisposing syndrome. Last evaluated: 2023-03-26. Review status: criteria provided, single submitter. Criteria: Ambry Variant Classification Scheme 2023. Collection method: clinical testing. Allele origin: germline.
Comment: The p.L153I variant (also known as c.457C>A) is located in coding exon 5 of the SDHA gene. The leucine at codon 153 is replaced by isoleucine, an amino acid with highly similar properties. This change occurs in the first base pair of coding exon 5. This amino acid position is conserved. In addition, the in silico prediction for this alteration is inconclusive. Since supporting evidence is limited at this time, the clinical significance of this alteration remains unclear.